The following is an entry in ClinVar:

ClinVar aggregate classification (germline): Uncertain significance. Review status: criteria provided, multiple submitters, no conflicts (2 of 4 stars). 3 submissions from 3 submitters: Uncertain significance (3). Last evaluated 2024-12-30.

Conditions:
Hereditary cancer-predisposing syndrome. Also called: Neoplastic Syndromes, Hereditary; Hereditary Cancer Syndrome; Hereditary neoplastic syndrome; Tumor predisposition. Identifiers: Orphanet 140162, MedGen C0027672, MeSH D009386, MONDO:0015356.
Familial cancer of breast. Also called: hereditary breast carcinoma; BREAST CANCER, FAMILIAL; Hereditary breast cancer. Identifiers: Orphanet 227535, MedGen C0346153, MONDO:0016419, OMIM 114480. Disease mechanism: loss of function.
Fanconi anemia complementation group J. Also called: BRIP1-Related Fanconi Anemia. Identifiers: Orphanet 84, MedGen C1836860, MONDO:0012187, OMIM 609054.

Submissions (3):

GeneDx
Classification: Uncertain significance. Last evaluated: 2024-12-30. Review status: criteria provided, single submitter. Criteria: GeneDx Variant Classification Process June 2021. Collection method: clinical testing. Allele origin: germline. Affected: yes.
Comment: Not observed at significant frequency in large population cohorts (gnomAD); In silico analysis supports that this missense variant has a deleterious effect on protein structure/function; Has not been previously published as pathogenic or benign to our knowledge

Ambry Genetics
Classification: Uncertain significance for Hereditary cancer-predisposing syndrome. Last evaluated: 2024-04-04. Review status: criteria provided, single submitter. Criteria: Ambry Variant Classification Scheme 2023. Collection method: clinical testing. Allele origin: germline.
Comment: The p.I780T variant (also known as c.2339T>C), located in coding exon 15 of the BRIP1 gene, results from a T to C substitution at nucleotide position 2339. The isoleucine at codon 780 is replaced by threonine, an amino acid with similar properties. This amino acid position is conserved. In addition, this alteration is predicted to be deleterious by in silico analysis. Based on the available evidence, the clinical significance of this variant remains unclear.

Labcorp Genetics (formerly Invitae), Labcorp
Classification: Uncertain significance for Familial cancer of breast; Fanconi anemia complementation group J. Last evaluated: 2022-05-18. Review status: criteria provided, single submitter. Criteria: Invitae Variant Classification Sherloc (09022015). Collection method: clinical testing. Allele origin: germline.
Comment: This variant is not present in population databases (gnomAD no frequency). This sequence change replaces isoleucine, which is neutral and non-polar, with threonine, which is neutral and polar, at codon 780 of the BRIP1 protein (p.Ile780Thr). This variant has not been reported in the literature in individuals affected with BRIP1-related conditions. ClinVar contains an entry for this variant (Variation ID: 643688). Algorithms developed to predict the effect of missense changes on protein structure and function (SIFT, PolyPhen-2, Align-GVGD) all suggest that this variant is likely to be disruptive. In summary, the available evidence is currently insufficient to determine the role of this variant in disease. Therefore, it has been classified as a Variant of Uncertain Significance.

NM_032043.3(BRIP1):c.2339T>C (p.Ile780Thr)

Gene: BRIP1 (BRCA1 interacting DNA helicase 1; minus strand). Cytogenetic location: 17q23.2.
Variant type: single nucleotide variant.
Coding change: c.2339T>C on transcript NM_032043.3 (MANE Select); coding-DNA position 2339, T replaced by C.
Protein change: p.Ile780Thr; replaces isoleucine 780 with threonine.
Molecular consequence: missense variant.
Genome position (GRCh38, 1-based): chr17:61,743,053, A>G on the plus strand (T>C on the coding strand, the complement: BRIP1 is on the minus strand). VCF-style: chr17-61743053-A-G. GRCh37 (hg19) VCF-style: chr17-59820414-A-G.
Other names: short protein forms I780T.
Identifiers: ClinVar variation 643688 (VCV000643688.11), dbSNP rs1467232177, ClinGen allele CA400482603.